The following is an entry in ClinVar:

ClinVar aggregate classification (germline): Uncertain significance (1 of 4 stars; one submission).

Conditions:
Cystic fibrosis (CF). Also called: MUCOVISCIDOSIS. Identifiers: Orphanet 586, MedGen C0010674, MONDO:0009061, OMIM 219700. Disease mechanism: loss of function.

Submission:

Ambry Genetics
Classification: Uncertain significance for Cystic fibrosis. Last evaluated: 2015-12-08. Review status: criteria provided, single submitter. Criteria: Ambry Variant Classification Scheme 2023. Collection method: clinical testing. Allele origin: germline.
Comment: The c.-184G>T alteration is located in the 5' untranslated region (5'UTR) of the CFTR gene. This alteration consists of a G to T substitution nucleotides upstream from the first translated codon. Based on insufficient or conflicting evidence, the clinical significance of this alteration remains unclear.

NM_000492.3(CFTR):c.-184G>T

Genes: CFTR (CF transmembrane conductance regulator; plus strand), LOC111674463 (CFTR promoter region; plus strand). Cytogenetic location: 7q31.2.
Variant type: single nucleotide variant.
Coding change: c.-184G>T on transcript NM_000492.3; 184 bases upstream of the start codon, G replaced by T.
Genome position (GRCh38, 1-based): chr7:117,479,911, G>T. VCF-style: chr7-117479911-G-T. GRCh37 (hg19) VCF-style: chr7-117119965-G-T.
Identifiers: ClinVar variation 3076094 (VCV003076094.1), dbSNP rs962139308, ClinGen allele CA2825001514.